The following is an entry in ClinVar:

NM_001003841.3(SLC6A19):c.306T>C (p.Gly102=)

Gene: SLC6A19 (solute carrier family 6 member 19; plus strand). Cytogenetic location: 5p15.33.
Variant type: single nucleotide variant.
Coding change: c.306T>C on transcript NM_001003841.3 (MANE Select); coding-DNA position 306, T replaced by C.
Protein change: p.Gly102=; no amino-acid change (glycine 102 retained).
Molecular consequence: synonymous variant.
Genome position (GRCh38, 1-based): chr5:1,208,849, T>C. VCF-style: chr5-1208849-T-C. GRCh37 (hg19) VCF-style: chr5-1208964-T-C.
Other names: p.Gly102=.
Identifiers: ClinVar variation 130352 (VCV000130352.27), dbSNP rs60992377, ClinGen allele CA155257.

ClinVar aggregate classification (germline): Benign. Review status: criteria provided, multiple submitters, no conflicts (2 of 4 stars). 10 submissions from 10 submitters: Benign (6). 4 of the submissions do not count toward it. Last evaluated 2026-02-03.

Conditions:
Neutral 1 amino acid transport defect (HND). Also called: HARTNUP DISORDER; Hartnup disease. Identifiers: Orphanet 2116, MedGen C0018609, MONDO:0009324, OMIM 234500.

Allele frequency attached by ClinVar (database versions not stated): gnomAD exomes 0.31693 and 0.36928; ExAC 0.36969; ESP Exome Variant Server 0.38886; gnomAD 0.38977 and 0.39132; TOPMed 0.40396; 1000 Genomes Project 30x 0.42161.
gnomAD v4.1: 523,342 of 1,612,266 alleles (32%); highest among the groups gnomAD compares: African/African-American, 54%; 89,052 homozygotes.

Submissions (10):

Labcorp Genetics (formerly Invitae), Labcorp
Classification: Benign. Last evaluated: 2026-02-03. Review status: criteria provided, single submitter. Criteria: Invitae Variant Classification Sherloc (09022015). Collection method: clinical testing. Allele origin: germline.

Blueprint Genetics
Classification: Benign. Last evaluated: 2024-11-26. Review status: criteria provided, single submitter. Criteria: ACMG Guidelines, 2015. Collection method: clinical testing. Allele origin: germline.

Mayo Clinic Laboratories, Mayo Clinic
Classification: Benign. Last evaluated: 2022-03-24. Review status: criteria provided, single submitter. Criteria: ACMG Guidelines, 2015. Collection method: clinical testing. Allele origin: germline. Observed: 327 variant alleles.

Genome-Nilou Lab
Classification: Benign for Neutral 1 amino acid transport defect. Last evaluated: 2021-07-14. Review status: criteria provided, single submitter. Criteria: ACMG Guidelines, 2015. Collection method: clinical testing. Allele origin: germline. Affected: no.

GeneDx
Classification: Benign. Last evaluated: 2021-05-04. Review status: criteria provided, single submitter. Criteria: GeneDx Variant Classification Process June 2021. Collection method: clinical testing. Allele origin: germline. Affected: yes.

Breakthrough Genomics
Classification: Benign. Review status: criteria provided, single submitter. Criteria: ACMG Guidelines, 2015. Collection method: not provided. Allele origin: germline. Inheritance: Autosomal recessive inheritance. Affected: yes.

Clinical Genetics, Academic Medical Center
Classification: Benign. Review status: no assertion criteria provided. Collection method: clinical testing. Allele origin: germline. Affected: yes. Study: VKGL Data-share Consensus. Not counted in ClinVar's aggregate classification.

Diagnostic Laboratory, Department of Genetics, University Medical Center Groningen
Classification: Benign. Review status: no assertion criteria provided. Collection method: clinical testing. Allele origin: germline. Affected: yes. Study: VKGL Data-share Consensus. Not counted in ClinVar's aggregate classification.

Genetic Services Laboratory, University of Chicago
Classification: Likely benign for AllHighlyPenetrant. Review status: no assertion criteria provided. Collection method: clinical testing. Allele origin: germline. Inheritance: Autosomal recessive inheritance. Not counted in ClinVar's aggregate classification.
Comment: Likely benign based on allele frequency in 1000 Genomes Project or ESP global frequency and its presence in a patient with a rare or unrelated disease phenotype. NOT Sanger confirmed.

Genome Diagnostics Laboratory, University Medical Center Utrecht
Classification: Benign. Review status: no assertion criteria provided. Collection method: clinical testing. Allele origin: germline. Affected: yes. Study: VKGL Data-share Consensus. Not counted in ClinVar's aggregate classification.